The following is an entry in ClinVar:

NM_030962.4(SBF2):c.3454A>G (p.Ser1152Gly)

Genes: SBF2 (SET binding factor 2; minus strand), LOC101928008 (uncharacterized LOC101928008; plus strand). Cytogenetic location: 11p15.4.
Variant type: single nucleotide variant.
Coding change: c.3454A>G on transcript NM_030962.4 (MANE Select); coding-DNA position 3454, A replaced by G.
Protein change: p.Ser1152Gly; replaces serine 1152 with glycine.
Molecular consequence: missense variant.
Genome position (GRCh38, 1-based): chr11:9,839,499, T>C on the plus strand (A>G on the coding strand, the complement: SBF2 is on the minus strand). VCF-style: chr11-9839499-T-C. GRCh37 (hg19) VCF-style: chr11-9861046-T-C.
Other names: c.3454A>G, p.Ser1152Gly (NM_001386339.1); c.3325A>G, p.Ser1109Gly (NM_001386342.1); c.3490A>G, p.Ser1164Gly (NM_001424318.1, NM_001425069.1, NM_001425070.1); short protein forms S1109G, S1152G, S1164G.
Identifiers: ClinVar variation 2684337 (VCV002684337.1), dbSNP rs2494734411, ClinGen allele CA379628406.

ClinVar aggregate classification (germline): Uncertain significance (1 of 4 stars; one submission).

Submission:

Athena Diagnostics
Classification: Uncertain significance. Last evaluated: 2023-03-03. Review status: criteria provided, single submitter. Criteria: Athena Diagnostics Criteria. Collection method: clinical testing. Allele origin: unknown.
Comment: Available data are insufficient to determine the clinical significance of the variant at this time. This variant has not been reported in large, multi-ethnic general populations. Computational tools predict that this variant is damaging.